The following is an entry in ClinVar:

NM_014669.5(NUP93):c.*214T>C

Gene: NUP93 (nucleoporin 93; plus strand). Cytogenetic location: 16q13.
Variant type: single nucleotide variant.
Coding change: c.*214T>C on transcript NM_014669.5 (MANE Select); 214 bases downstream of the stop codon, T replaced by C.
Molecular consequence: 3 prime UTR variant.
Genome position (GRCh38, 1-based): chr16:56,844,823, T>C. VCF-style: chr16-56844823-T-C. GRCh37 (hg19) VCF-style: chr16-56878735-T-C.
Other names: c.*214T>C (NM_001242795.2, NM_001242796.2).
Identifiers: ClinVar variation 1706843 (VCV001706843.2), dbSNP rs112097153, ClinGen allele CA281507032.
Genomic context (GRCh38, chr16:56,844,823, plus strand): 5'-GTATTTCTTTTCAACATTCTTTTATTTTCTTTTTTTTTTTCTTTGAAATTTTGTTTACAT[T>C]TTTATTTGTGTAATGGGAAATACCGTCACTAGCTCTTGGGCCAGGGAATGAGAGGCTATG-3'

ClinVar aggregate classification (germline): Likely benign (1 of 4 stars; one submission).

Allele frequency attached by ClinVar (database versions not stated): gnomAD exomes 0.00046; gnomAD 0.00412; TOPMed 0.00476; 1000 Genomes Project 0.00539; 1000 Genomes Project 30x 0.00562.

Submission:

GeneDx
Classification: Likely benign. Last evaluated: 2021-02-25. Review status: criteria provided, single submitter. Criteria: GeneDx Variant Classification Process June 2021. Collection method: clinical testing. Allele origin: germline. Affected: yes.
Comment: See Variant Classification Assertion Criteria.